The following is an entry in ClinVar:

NM_014874.4(MFN2):c.58C>T (p.His20Tyr)

Gene: MFN2 (mitofusin 2; plus strand). Cytogenetic location: 1p36.22.
Variant type: single nucleotide variant.
Coding change: c.58C>T on transcript NM_014874.4 (MANE Select); coding-DNA position 58, C replaced by T.
Protein change: p.His20Tyr; replaces histidine 20 with tyrosine.
Molecular consequence: missense variant.
Genome position (GRCh38, 1-based): chr1:11,989,226, C>T. VCF-style: chr1-11989226-C-T. GRCh37 (hg19) VCF-style: chr1-12049283-C-T.
Other names: p.H20Y:CAC>TAC; c.58C>T, p.His20Tyr (NM_001127660.2); short protein forms H20Y.
Identifiers: ClinVar variation 214656 (VCV000214656.51), dbSNP rs201715603, ClinGen allele CA321399.

ClinVar aggregate classification (germline): Conflicting classifications of pathogenicity. Review status: criteria provided, conflicting classifications (1 of 4 stars). 12 submissions from 11 submitters: Uncertain significance (8); Benign (1); Likely benign (2). 1 of the submissions does not count toward it. Last evaluated 2026-07-20.

Conditions:
MFN2-related disorder. Also called: MFN2-related condition; MFN2-related disorders.
Inborn genetic diseases. Identifiers: MedGen C0950123, MeSH D030342.
Charcot-Marie-Tooth disease type 2. Also called: Charcot-Marie-Tooth type 2. Identifiers: Orphanet 64746, MedGen C0270914, MONDO:0018993.
Optic atrophy. Identifiers: MedGen C0029124, MONDO:0003608, HP:0000648.
Hereditary motor and sensory neuropathy with optic atrophy. Also called: CHARCOT-MARIE-TOOTH DISEASE, TYPE 6; PERIPHERAL NEUROPATHY AND OPTIC ATROPHY. Identifiers: Orphanet 90120, MedGen C0393807, MONDO:0019551.
Charcot-Marie-Tooth disease. Also called: Charcot-Marie-Tooth Hereditary Neuropathy; Charcot-Marie-Tooth Neuropathy. Identifiers: Orphanet 166, MedGen C0007959, MONDO:0015626.

Allele frequency attached by ClinVar (database versions not stated): gnomAD 0.00004 and 0.00006; TOPMed 0.00005; ESP Exome Variant Server 0.00008; gnomAD exomes 0.00008; ExAC 0.00012.
gnomAD v4.1: 176 of 1,614,124 alleles (0.011%); highest among the groups gnomAD compares: Middle Eastern, 1.5%; 9 homozygotes.

Submissions (12):

PreventionGenetics, part of Exact Sciences
Classification: Uncertain significance for MFN2-related condition. Last evaluated: 2026-07-20. Review status: criteria provided, single submitter. Criteria: ACMG Guidelines, 2015. Collection method: clinical testing. Allele origin: germline.
Comment: The MFN2 c.58C>T variant is predicted to result in the amino acid substitution p.His20Tyr. This variant has been reported in the heterozygous state in individuals with neurodegenerative disorders including an individual with Charcot-Marie-Tooth disease, type 2A (CMT2A, Bombelli et al. 2014. PubMed ID: 24957169) and an individual with amyotrophic lateral sclerosis (Abati et al. 2024. PubMed ID: 39315308). One patient with CMT2A also had an additional missense variant in MFN2 (Al-Harbi et al. 2019. PubMed ID: 31453851). This variant is reported in 0.010% of alleles in individuals of European (non-Finnish) descent in gnomAD v2 (as displayed in the table above). However, in gnomAD v4 (available only on GRCh38), this variant is reported in 1.5% of alleles in a subpopulation, including 9 homozygotes. This population data is not consistent with this variant being a primary cause of disease. This variant has conflicting classifications in the ClinVar database ranging from benign to uncertain. At this time, the clinical significance of this variant is uncertain due to the absence of conclusive functional and genetic evidence.

Labcorp Genetics (formerly Invitae), Labcorp
Classification: Uncertain significance for Charcot-Marie-Tooth disease type 2. Last evaluated: 2025-07-03. Review status: criteria provided, single submitter. Criteria: Invitae Variant Classification Sherloc (09022015). Collection method: clinical testing. Allele origin: germline.
Comment: This sequence change replaces histidine, which is basic and polar, with tyrosine, which is neutral and polar, at codon 20 of the MFN2 protein (p.His20Tyr). This variant is present in population databases (rs201715603, gnomAD 0.01%). This missense change has been observed in individual(s) with Charcot-Marie-Tooth disease (PMID: 24957169, 31453851, 37926714). ClinVar contains an entry for this variant (Variation ID: 214656). Invitae Evidence Modeling of protein sequence and biophysical properties (such as structural, functional, and spatial information, amino acid conservation, physicochemical variation, residue mobility, and thermodynamic stability) indicates that this missense variant is not expected to disrupt MFN2 protein function with a negative predictive value of 80%. In summary, the available evidence is currently insufficient to determine the role of this variant in disease. Therefore, it has been classified as a Variant of Uncertain Significance.

CeGaT Center for Human Genetics Tuebingen
Classification: Uncertain significance. Last evaluated: 2025-03-01. Review status: criteria provided, single submitter. Criteria: CeGaT Center For Human Genetics Tuebingen Variant Classification Criteria Version 2. Collection method: clinical testing. Allele origin: germline. Affected: yes. Observed: 2 variant alleles.
Comment: MFN2: PP3

Blueprint Genetics
Classification: Uncertain significance. Last evaluated: 2024-11-12. Review status: criteria provided, single submitter. Criteria: ACMG Guidelines, 2015. Collection method: clinical testing. Allele origin: germline.

Athena Diagnostics
Classification: Uncertain significance. Last evaluated: 2024-04-30. Review status: criteria provided, single submitter. Criteria: Athena Diagnostics Criteria. Collection method: clinical testing. Allele origin: unknown.
Comment: Available data are insufficient to determine the clinical significance of the variant at this time. The frequency of this variant in the general population is uninformative in assessment of its pathogenicity. This variant has been identified in at least one individual with clinical features associated with CMT. Polyphen and MutationTaster yielded discordant predictions regarding whether this amino acid change is damaging to the protein.

Institute of Human Genetics, Univ. Regensburg, Univ. Regensburg
Classification: Uncertain significance for Optic atrophy. Last evaluated: 2022-01-01. Review status: criteria provided, single submitter. Criteria: ACMG Guidelines, 2015. Collection method: clinical testing. Allele origin: germline. Affected: yes.

Ambry Genetics
Classification: Uncertain significance for Inborn genetic diseases. Last evaluated: 2020-08-14. Review status: criteria provided, single submitter. Criteria: Ambry Variant Classification Scheme 2023. Collection method: clinical testing. Allele origin: germline.
Comment: The p.H20Y variant (also known as c.58C>T), located in coding exon 1 of the MFN2 gene, results from a C to T substitution at nucleotide position 58. The histidine at codon 20 is replaced by tyrosine, an amino acid with similar properties. This amino acid position is well conserved in available vertebrate species. This alteration has been reported in a compound heterozygous state together with MFN c.2218T>A (p.Trp740Arg) in an individual with CMT2A (Al-Harbi TM et al. J Clin Neuromuscul Dis, 2019 Sep;21:25-29), as well as in a heterozygous state in an individual with CMT (Bombelli F et al. JAMA Neurol, 2014 Aug;71:1036-42). In addition, the in silico prediction for this alteration is inconclusive. Since supporting evidence is limited at this time, the clinical significance of this alteration remains unclear.

GeneDx
Classification: Benign. Last evaluated: 2020-04-13. Review status: criteria provided, single submitter. Criteria: GeneDx Variant Classification Process June 2021. Collection method: clinical testing. Allele origin: germline. Affected: yes.
Comment: This variant is associated with the following publications: (PMID: 27884173, 31453851, 24957169)

Illumina Laboratory Services, Illumina
Classification: Likely benign for Charcot-Marie-Tooth disease, type 2. Last evaluated: 2018-01-13. Review status: criteria provided, single submitter. Criteria: ICSL Variant Classification Criteria 13 December 2019. Collection method: clinical testing. Allele origin: germline.
Comment: This variant was observed in the ICSL laboratory as part of a predisposition screen in an ostensibly healthy population. It had not been previously curated by ICSL or reported in the Human Gene Mutation Database (HGMD: prior to June 1st, 2018), and was therefore a candidate for classification through an automated scoring system. Utilizing variant allele frequency, disease prevalence and penetrance estimates, and inheritance mode, an automated score was calculated to assess if this variant is too frequent to cause the disease. Based on the score and internal cut-off values, a variant classified as likely benign is not then subjected to further curation. The score for this variant resulted in a classification of likely benign for this disease.

Illumina Laboratory Services, Illumina
Classification: Likely benign for Neuropathy, hereditary motor and sensory, type 6A. Last evaluated: 2018-01-13. Review status: criteria provided, single submitter. Criteria: ICSL Variant Classification Criteria 13 December 2019. Collection method: clinical testing. Allele origin: germline.
Comment: the same text as in the submission from Illumina Laboratory Services, Illumina above.

Molecular Genetics Laboratory, London Health Sciences Centre
Classification: Uncertain significance for Charcot-Marie-Tooth disease. Review status: criteria provided, single submitter. Criteria: ACMG Guidelines, 2015. Collection method: clinical testing. Allele origin: germline. Affected: yes.

Inherited Neuropathy Consortium
Classification: Uncertain significance for Charcot-Marie-Tooth disease. Review status: no assertion criteria provided. Collection method: literature only. Allele origin: germline. Affected: yes. Not counted in ClinVar's aggregate classification.

Literature cited by the submitters: PubMed 24957169 (cited by 5 submitters); PubMed 31453851 (cited by 4 submitters); PubMed 37926714 (cited by Labcorp Genetics (formerly Invitae), Labcorp and Athena Diagnostics); PubMed 27884173 (cited by Athena Diagnostics and Institute of Human Genetics, Univ. Regensburg, Univ. Regensburg); PubMed 34426522 (cited by Athena Diagnostics and Institute of Human Genetics, Univ. Regensburg, Univ. Regensburg); PubMed 28292286 (cited by Athena Diagnostics); PubMed 37910431 (cited by Athena Diagnostics); PubMed 25614874 (cited by Athena Diagnostics); PubMed 36973604 (cited by Athena Diagnostics); PubMed 24627108 (cited by Athena Diagnostics).